The following is an entry in ClinVar:

NM_004168.4(SDHA):c.388T>C (p.Ser130Pro)

Gene: SDHA (succinate dehydrogenase complex flavoprotein subunit A; plus strand). Cytogenetic location: 5p15.33.
Variant type: single nucleotide variant.
Coding change: c.388T>C on transcript NM_004168.4 (MANE Select); coding-DNA position 388, T replaced by C.
Protein change: p.Ser130Pro; replaces serine 130 with proline.
Molecular consequence: missense variant. On other transcripts: intron variant (1).
Genome position (GRCh38, 1-based): chr5:225,494, T>C. VCF-style: chr5-225494-T-C. GRCh37 (hg19) VCF-style: chr5-225609-T-C.
Other names: c.388T>C, p.Ser130Pro (NM_001330758.2); c.313-389T>C (NM_001294332.2); short protein forms S130P.
Identifiers: ClinVar variation 4790444 (VCV004790444.1).

ClinVar aggregate classification (germline): Uncertain significance (1 of 4 stars; one submission).

Conditions:
Mitochondrial complex II deficiency, nuclear type 1. Also called: SUCCINATE CoQ REDUCTASE DEFICIENCY. Identifiers: Orphanet 3208, MedGen C5700310, MONDO:0100294, OMIM 252011.
Pheochromocytoma/paraganglioma syndrome 5. Also called: Paragangliomas 5; SDHA-Related Hereditary Paraganglioma-Pheochromocytoma Syndrome. Identifiers: Orphanet 29072, MedGen C3279992, MONDO:0013602, OMIM 614165.

Submission:

Labcorp Genetics (formerly Invitae), Labcorp
Classification: Uncertain significance for Pheochromocytoma/paraganglioma syndrome 5; Mitochondrial complex II deficiency, nuclear type 1. Last evaluated: 2025-06-19. Review status: criteria provided, single submitter. Criteria: Invitae Variant Classification Sherloc (09022015). Collection method: clinical testing. Allele origin: germline.
Comment: This sequence change replaces serine, which is neutral and polar, with proline, which is neutral and non-polar, at codon 130 of the SDHA protein (p.Ser130Pro). This variant is not present in population databases (gnomAD no frequency). This variant has not been reported in the literature in individuals affected with SDHA-related conditions. Invitae Evidence Modeling of protein sequence and biophysical properties (such as structural, functional, and spatial information, amino acid conservation, physicochemical variation, residue mobility, and thermodynamic stability) has been performed for this missense variant. However, the output from this modeling did not meet the statistical confidence thresholds required to predict the impact of this variant on SDHA protein function. In summary, the available evidence is currently insufficient to determine the role of this variant in disease. Therefore, it has been classified as a Variant of Uncertain Significance.